The following is an entry in ClinVar:

NM_000051.4(ATM):c.3019_3025del (p.Asp1007fs)

Gene: ATM (ATM serine/threonine kinase; plus strand). Cytogenetic location: 11q22.3.
Variant type: Deletion.
Coding change: c.3019_3025del on transcript NM_000051.4 (MANE Select); coding-DNA positions 3019 to 3025, 7 bases deleted (GACTCTG; older notation c.3019_3025delGACTCTG).
Protein change: p.Asp1007fs; shifts the reading frame from aspartic acid 1007.
Molecular consequence: frameshift variant.
Genome position (GRCh38, 1-based): chr11:108,271,348-108,271,354, GACTCTG deleted; deleting any 7 consecutive bases within chr11:108,271,346-108,271,354 gives the same sequence; the c. name uses the placement nearest the transcript's 3' end. VCF-style (leftmost placement, unchanged base first): chr11-108271345-ATGGACTC-A. GRCh37 (hg19) VCF-style: chr11-108142072-ATGGACTC-A.
Other names: c.3019_3025del, p.Asp1007fs (NM_001351834.2); short protein forms D1007fs.
Identifiers: ClinVar variation 2747966 (VCV002747966.3), dbSNP rs2497689525, ClinGen allele CA2697558913.

ClinVar aggregate classification (germline): Pathogenic (1 of 4 stars; one submission).

Conditions:
Ataxia-telangiectasia syndrome (AT). Also called: AT, COMPLEMENTATION GROUP C; Ataxia-telangiectasia, complementation group D; ATAXIA-TELANGIECTASIA, COMPLEMENTATION GROUP A; ATAXIA-TELANGIECTASIA, FRESNO VARIANT; Ataxia-telangiectasia; Ataxia telangiectasia (A-T). Identifiers: Orphanet 100, MedGen C0004135, MONDO:0008840, OMIM 208900.

Submission:

Labcorp Genetics (formerly Invitae), Labcorp
Classification: Pathogenic for Ataxia-telangiectasia syndrome. Last evaluated: 2023-07-28. Review status: criteria provided, single submitter. Criteria: Invitae Variant Classification Sherloc (09022015). Collection method: clinical testing. Allele origin: germline.
Comment: For these reasons, this variant has been classified as Pathogenic. This sequence change creates a premature translational stop signal (p.Asp1007Argfs*13) in the ATM gene. It is expected to result in an absent or disrupted protein product. Loss-of-function variants in ATM are known to be pathogenic (PMID: 23807571, 25614872). This variant is not present in population databases (gnomAD no frequency). This variant has not been reported in the literature in individuals affected with ATM-related conditions.

Literature cited by the submitters: PubMed 23807571; PubMed 25614872.